The following is an entry in ClinVar:

NM_138927.4(SON):c.1578G>T (p.Gly526=)

Gene: SON (SON DNA and RNA binding protein; plus strand). Cytogenetic location: 21q22.11.
Variant type: single nucleotide variant.
Coding change: c.1578G>T on transcript NM_138927.4 (MANE Select); coding-DNA position 1578, G replaced by T.
Protein change: p.Gly526=; no amino-acid change (glycine 526 retained).
Molecular consequence: synonymous variant. On other transcripts: non-coding transcript variant (1), intron variant (1).
Genome position (GRCh38, 1-based): chr21:33,550,809, G>T. VCF-style: chr21-33550809-G-T. GRCh37 (hg19) VCF-style: chr21-34923115-G-T.
Other names: c.1578G>T (NM_138927.2); c.1578G>T, p.Gly526= (NM_001291411.2, NM_032195.3); c.244+4430G>T (NM_001291412.3).
Identifiers: ClinVar variation 731422 (VCV000731422.11), dbSNP rs761067389, ClinGen allele CA10008928.

ClinVar aggregate classification (germline): Likely benign. Review status: criteria provided, multiple submitters, no conflicts (2 of 4 stars). 3 submissions from 3 submitters: Likely benign (2). 1 of the submissions does not count toward it. Last evaluated 2026-01-09.

Conditions:
SON-related disorder. Also called: SON-related condition.

Allele frequency attached by ClinVar (database versions not stated): gnomAD 0.00001 and 0.00002; gnomAD exomes 0.00001 and 0.00007; ExAC 0.00004; TOPMed 0.00005.
gnomAD v4.1: 61 of 1,614,008 alleles (0.0038%); highest among the groups gnomAD compares: East Asian, 0.031%; 1 homozygote.

Submissions (3):

Labcorp Genetics (formerly Invitae), Labcorp
Classification: Likely benign. Last evaluated: 2026-01-09. Review status: criteria provided, single submitter. Criteria: Invitae Variant Classification Sherloc (09022015). Collection method: clinical testing. Allele origin: germline.

Blueprint Genetics
Classification: Likely benign. Last evaluated: 2024-11-25. Review status: criteria provided, single submitter. Criteria: ACMG Guidelines, 2015. Collection method: clinical testing. Allele origin: germline.

PreventionGenetics, part of Exact Sciences
Classification: Likely benign for SON-related condition. Last evaluated: 2019-09-13. Review status: no assertion criteria provided. Collection method: clinical testing. Allele origin: germline. Not counted in ClinVar's aggregate classification.
Comment: This variant is classified as likely benign based on ACMG/AMP sequence variant interpretation guidelines (Richards et al. 2015 PMID: 25741868, with internal and published modifications).